The following is an entry in ClinVar:

ClinVar aggregate classification (germline): Uncertain significance (1 of 4 stars; one submission).

Allele frequency attached by ClinVar (database versions not stated): ExAC 0.00001; gnomAD 0.00001; gnomAD exomes 0.00001; ESP Exome Variant Server 0.00009.
gnomAD v4.1: 23 of 1,606,980 alleles (0.0014%); highest among the groups gnomAD compares: Non-Finnish European, 0.0016%; no homozygotes.

Submission:

Labcorp Genetics (formerly Invitae), Labcorp
Classification: Uncertain significance. Last evaluated: 2022-03-19. Review status: criteria provided, single submitter. Criteria: Invitae Variant Classification Sherloc (09022015). Collection method: clinical testing. Allele origin: germline.
Comment: This variant is present in population databases (rs375478181, gnomAD 0.0009%). This sequence change replaces proline, which is neutral and non-polar, with leucine, which is neutral and non-polar, at codon 998 of the COL18A1 protein (p.Pro998Leu). This variant has not been reported in the literature in individuals affected with COL18A1-related conditions. Experimental studies and prediction algorithms are not available or were not evaluated, and the functional significance of this variant is currently unknown. In summary, the available evidence is currently insufficient to determine the role of this variant in disease. Therefore, it has been classified as a Variant of Uncertain Significance.

NM_001379500.1(COL18A1):c.3002C>T (p.Pro1001Leu)

Genes: COL18A1 (collagen type XVIII alpha 1 chain; plus strand), SLC19A1 (solute carrier family 19 member 1; minus strand). Cytogenetic location: 21q22.3.
Variant type: single nucleotide variant.
Coding change: c.3002C>T on transcript NM_001379500.1 (MANE Select); coding-DNA position 3002, C replaced by T.
Protein change: p.Pro1001Leu; replaces proline 1001 with leucine.
Molecular consequence: missense variant.
Genome position (GRCh38, 1-based): chr21:45,505,267, C>T. VCF-style: chr21-45505267-C-T. GRCh37 (hg19) VCF-style: chr21-46925181-C-T.
Other names: c.3533C>T, p.Pro1178Leu (NM_030582.4); c.4238C>T, p.Pro1413Leu (NM_130444.3); short protein forms P1413L, P1001L, P1178L.
Identifiers: ClinVar variation 1959477 (VCV001959477.5), dbSNP rs375478181, ClinGen allele CA10067601.
Genomic context (GRCh38, chr21:45,505,267, plus strand): 5'-AGGGGCGCCAGGGCCCTCCCGGCCCCCCAGGCCCCCCAGGGCCCCCTTCATTTCCTGGCC[C>T]TCACAGGCAGAGTAAGTCAGTGGGGAGTGGGCCCCGGGCAGAGGCCGCCTCGTGTGGCTT-3'
Protein context (NP_001366429.1, residues 991-1011): GPPGPPSFPG[Pro1001Leu]HRQTISVPGP